The following is an entry in ClinVar:

ClinVar aggregate classification (germline): Pathogenic. Review status: criteria provided, multiple submitters, no conflicts (2 of 4 stars). 2 submissions from 2 submitters: Pathogenic (2). Last evaluated 2025-03-05.

Conditions:
CEP290-related disorder. Also called: CEP290-related condition; CEP290-related disorders. Identifiers: MedGen CN239314.
Meckel-Gruber syndrome. Also called: DYSENCEPHALIA SPLANCHNOCYSTICA; GRUBER SYNDROME; Dysencephalia splachnocystica. Identifiers: Orphanet 564, MedGen C0265215, MONDO:0018921.
Nephronophthisis. Also called: Juvenile Nephronophthisis. Identifiers: Orphanet 655, MedGen C0687120, MONDO:0019005, HP:0000090.
Joubert syndrome. Also called: Familial aplasia of the vermis; JOUBERT-BOLTSHAUSER SYNDROME. Identifiers: Orphanet 475, MedGen C5979921, MONDO:0018772.

Submissions (2):

PreventionGenetics, part of Exact Sciences
Classification: Pathogenic for CEP290-related condition. Last evaluated: 2025-03-05. Review status: criteria provided, single submitter. Criteria: ACMG Guidelines, 2015. Collection method: clinical testing. Allele origin: germline.
Comment: The CEP290 c.2149C>T variant is predicted to result in premature protein termination (p.Gln717*). To our knowledge, this variant has not been reported in the literature or in a large population database (gnomAD), indicating it is rare. Nonsense variants in CEP290 are expected to be pathogenic. This variant is interpreted as pathogenic.

Labcorp Genetics (formerly Invitae), Labcorp
Classification: Pathogenic for Joubert syndrome; Meckel-Gruber syndrome; Nephronophthisis. Last evaluated: 2022-09-27. Review status: criteria provided, single submitter. Criteria: Invitae Variant Classification Sherloc (09022015). Collection method: clinical testing. Allele origin: germline.
Comment: This sequence change creates a premature translational stop signal (p.Gln717*) in the CEP290 gene. It is expected to result in an absent or disrupted protein product. Loss-of-function variants in CEP290 are known to be pathogenic (PMID: 16909394, 17345604, 20690115). This variant is not present in population databases (gnomAD no frequency). This variant has not been reported in the literature in individuals affected with CEP290-related conditions. For these reasons, this variant has been classified as Pathogenic.

Literature cited by the submitters: PubMed 16909394 (cited by Labcorp Genetics (formerly Invitae), Labcorp); PubMed 17345604 (cited by Labcorp Genetics (formerly Invitae), Labcorp); PubMed 20690115 (cited by Labcorp Genetics (formerly Invitae), Labcorp).

NM_025114.4(CEP290):c.2149C>T (p.Gln717Ter)

Gene: CEP290 (centrosomal protein 290; minus strand). Cytogenetic location: 12q21.32.
Variant type: single nucleotide variant.
Coding change: c.2149C>T on transcript NM_025114.4 (MANE Select); coding-DNA position 2149, C replaced by T.
Protein change: p.Gln717Ter; replaces glutamine 717 with a stop codon.
Molecular consequence: nonsense.
Genome position (GRCh38, 1-based): chr12:88,111,762, G>A on the plus strand (C>T on the coding strand, the complement: CEP290 is on the minus strand). VCF-style: chr12-88111762-G-A. GRCh37 (hg19) VCF-style: chr12-88505539-G-A.
Other names: c.2149C>T (NM_025114.3); short protein forms Q717*.
Identifiers: ClinVar variation 1996299 (VCV001996299.5), dbSNP rs2500763272, ClinGen allele CA385975060.